The following is an entry in ClinVar:

ClinVar aggregate classification (germline): Uncertain significance (1 of 4 stars; one submission).

Submission:

GeneDx
Classification: Uncertain significance. Last evaluated: 2024-01-02. Review status: criteria provided, single submitter. Criteria: GeneDx Variant Classification Process June 2021. Collection method: clinical testing. Allele origin: germline. Affected: yes.
Comment: Not observed at significant frequency in large population cohorts (gnomAD); In silico analysis supports that this missense variant has a deleterious effect on protein structure/function; Has not been previously published as pathogenic or benign to our knowledge

NM_001001331.4(ATP2B2):c.2093C>T (p.Thr698Ile)

Gene: ATP2B2 (ATPase plasma membrane Ca2+ transporting 2; minus strand). Cytogenetic location: 3p25.3.
Variant type: single nucleotide variant.
Coding change: c.2093C>T on transcript NM_001001331.4 (MANE Select); coding-DNA position 2093, C replaced by T.
Protein change: p.Thr698Ile; replaces threonine 698 with isoleucine.
Molecular consequence: missense variant.
Genome position (GRCh38, 1-based): chr3:10,358,734, G>A on the plus strand (C>T on the coding strand, the complement: ATP2B2 is on the minus strand). VCF-style: chr3-10358734-G-A. GRCh37 (hg19) VCF-style: chr3-10400418-G-A.
Other names: c.1958C>T, p.Thr653Ile (NM_001330611.3, NM_001353564.1, NM_001363862.1 and 1 more transcripts); short protein forms T653I, T698I.
Identifiers: ClinVar variation 3367418 (VCV003367418.1).